The following is an entry in ClinVar:

ClinVar aggregate classification (germline): Uncertain significance (1 of 4 stars; one submission).

Conditions:
Glycogen storage disease due to muscle beta-enolase deficiency (GSD13). Also called: ENOLASE 3 DEFICIENCY; ENOLASE-BETA DEFICIENCY; GSD XIII; Glycogen Storage Disease Type XIII. Identifiers: Orphanet 99849, MedGen C2752027, MONDO:0013046, OMIM 612932.

gnomAD v4.1: 2 of 1,614,072 alleles (0.00012%); highest among the groups gnomAD compares: Non-Finnish European, 0.00017%; no homozygotes.

Submission:

Labcorp Genetics (formerly Invitae), Labcorp
Classification: Uncertain significance for Glycogen storage disease due to muscle beta-enolase deficiency. Last evaluated: 2025-01-31. Review status: criteria provided, single submitter. Criteria: Invitae Variant Classification Sherloc (09022015). Collection method: clinical testing. Allele origin: germline.
Comment: This sequence change replaces lysine, which is basic and polar, with asparagine, which is neutral and polar, at codon 5 of the ENO3 protein (p.Lys5Asn). This variant is not present in population databases (gnomAD no frequency). This variant has not been reported in the literature in individuals affected with ENO3-related conditions. Invitae Evidence Modeling of protein sequence and biophysical properties (such as structural, functional, and spatial information, amino acid conservation, physicochemical variation, residue mobility, and thermodynamic stability) indicates that this missense variant is not expected to disrupt ENO3 protein function with a negative predictive value of 80%. In summary, the available evidence is currently insufficient to determine the role of this variant in disease. Therefore, it has been classified as a Variant of Uncertain Significance.

NM_053013.4(ENO3):c.15A>T (p.Lys5Asn)

Gene: ENO3 (enolase 3; plus strand). Cytogenetic location: 17p13.2.
Variant type: single nucleotide variant.
Coding change: c.15A>T on transcript NM_053013.4 (MANE Select); coding-DNA position 15, A replaced by T.
Protein change: p.Lys5Asn; replaces lysine 5 with asparagine.
Molecular consequence: missense variant.
Genome position (GRCh38, 1-based): chr17:4,951,844, A>T. VCF-style: chr17-4951844-A-T. GRCh37 (hg19) VCF-style: chr17-4855139-A-T.
Other names: c.15A>T, p.Lys5Asn (NM_001193503.2, NM_001374523.1, NM_001976.5); c.42A>T, p.Lys14Asn (NM_001374524.1); short protein forms K14N, K5N.
Identifiers: ClinVar variation 3685501 (VCV003685501.1).